The following is an entry in ClinVar:

ClinVar aggregate classification (germline): Benign. Review status: criteria provided, multiple submitters, no conflicts (2 of 4 stars). 2 submissions from 2 submitters: Benign (2). Last evaluated 2018-01-12.

Conditions:
Epidermolysis bullosa simplex due to plakophilin deficiency. Also called: MCGRATH SYNDROME. Identifiers: Orphanet 158668, MedGen C1858302, MONDO:0011472, OMIM 604536.

Allele frequency attached by ClinVar (database versions not stated): 1000 Genomes Project 30x 0.04154; 1000 Genomes Project 0.04273; gnomAD 0.04432 and 0.04500; TOPMed 0.04433; gnomAD exomes 0.05556.
gnomAD v4.1: 6,893 of 152,364 alleles (4.5%); highest among the groups gnomAD compares: South Asian, 6.6%; 209 homozygotes.

Submissions (2):

Illumina Laboratory Services, Illumina
Classification: Benign for Epidermolysis bullosa simplex due to plakophilin deficiency. Last evaluated: 2018-01-12. Review status: criteria provided, single submitter. Criteria: ICSL Variant Classification Criteria 13 December 2019. Collection method: clinical testing. Allele origin: germline.
Comment: This variant was observed in the ICSL laboratory as part of a predisposition screen in an ostensibly healthy population. It had not been previously curated by ICSL or reported in the Human Gene Mutation Database (HGMD: prior to June 1st, 2018), and was therefore a candidate for classification through an automated scoring system. Utilizing variant allele frequency, disease prevalence and penetrance estimates, and inheritance mode, an automated score was calculated to assess if this variant is too frequent to cause the disease. Based on the score and internal cut-off values, a variant classified as benign is not then subjected to further curation. The score for this variant resulted in a classification of benign for this disease.

Breakthrough Genomics
Classification: Benign. Review status: criteria provided, single submitter. Criteria: ACMG Guidelines, 2015. Collection method: not provided. Allele origin: germline. Inheritance: Autosomal recessive inheritance. Affected: yes.

NM_001005337.3(PKP1):c.*709G>A

Gene: PKP1 (plakophilin 1; plus strand). Cytogenetic location: 1q32.1.
Variant type: single nucleotide variant.
Coding change: c.*709G>A on transcript NM_001005337.3 (MANE Select); 709 bases downstream of the stop codon, G replaced by A.
Molecular consequence: 3 prime UTR variant.
Genome position (GRCh38, 1-based): chr1:201,330,750, G>A. VCF-style: chr1-201330750-G-A. GRCh37 (hg19) VCF-style: chr1-201299878-G-A.
Other names: c.*709G>A (NM_000299.4).
Identifiers: ClinVar variation 294852 (VCV000294852.6), dbSNP rs3795628, ClinGen allele CA10608756.